The following is an entry in ClinVar:

NM_000235.4(LIPA):c.605_618del (p.Pro202fs)

Gene: LIPA (lipase A, lysosomal acid type; minus strand). Cytogenetic location: 10q23.31.
Variant type: Deletion.
Coding change: c.605_618del on transcript NM_000235.4 (MANE Select); coding-DNA positions 605 to 618, 14 bases deleted (CTGTGGCTTCCGTC).
Protein change: p.Pro202fs; shifts the reading frame from proline 202.
Molecular consequence: frameshift variant.
Genome position (GRCh38, 1-based): chr10:89,225,149-89,225,162, GACGGAAGCCACAG deleted on the plus strand (CTGTGGCTTCCGTC on the coding strand, the reverse complement: LIPA is on the minus strand); deleting any 14 consecutive bases within chr10:89,225,149-89,225,165 gives the same sequence; the c. name uses the placement nearest the transcript's 3' end. VCF-style (leftmost placement, unchanged base first): chr10-89225148-CGACGGAAGCCACAG-C. GRCh37 (hg19) VCF-style: chr10-90984905-CGACGGAAGCCACAG-C.
Other names: c.605_618del, p.Pro202fs (NM_001127605.3); c.257_270del, p.Pro86fs (NM_001288979.2); short protein forms P202fs, P86fs.
Identifiers: ClinVar variation 1725989 (VCV001725989.2), dbSNP rs2495584738, ClinGen allele CA2580082261.

ClinVar aggregate classification (germline): Likely pathogenic (1 of 4 stars; one submission).

Conditions:
Lysosomal acid lipase deficiency. Also called: Acid cholesteryl ester hydrolase deficiency, type 2. Identifiers: Orphanet 275761, MedGen C5574740, MONDO:0800449, MONDO:0010204.

Submission:

Myriad Genetics, Inc.
Classification: Likely pathogenic for Cholesteryl ester storage disease. Last evaluated: 2022-04-30. Review status: criteria provided, single submitter. Criteria: Myriad Women's Health Autosomal Recessive and X-Linked Classification Criteria (2021). Collection method: clinical testing. Allele origin: unknown.
Comment: NM_000235.2(LIPA):c.605_618del14(P202Rfs*5) is expected to be pathogenic in the context of lysosomal acid lipase deficiency. This variant is predicted to lead to an abnormal or absent protein product due to the creation of a premature termination codon in LIPA, a gene where loss-of-function variants are known to be pathogenic. Please note: this variant was assessed in the context of healthy population screening.